The following is an entry in ClinVar:

ClinVar aggregate classification (germline): Pathogenic (1 of 4 stars; one submission).

Conditions:
Ehlers-Danlos syndrome, classic type, 1 (EDSCL1). Also called: EHLERS-DANLOS SYNDROME, GRAVIS TYPE; EHLERS-DANLOS SYNDROME, SEVERE CLASSIC TYPE; Ehlers-Danlos syndrome, type 1; Ehlers-Danlos Syndrome, Classic Type, COL5A1-Related; EDS I. Identifiers: MedGen C0268335, MONDO:0019567, OMIM 130000.

Submission:

Labcorp Genetics (formerly Invitae), Labcorp
Classification: Pathogenic for Ehlers-Danlos syndrome, classic type, 1. Last evaluated: 2025-12-22. Review status: criteria provided, single submitter. Criteria: Invitae Variant Classification Sherloc (09022015). Collection method: clinical testing. Allele origin: germline.
Comment: This sequence change creates a premature translational stop signal (p.Gln1497*) in the COL5A1 gene. It is expected to result in an absent or disrupted protein product. Loss-of-function variants in COL5A1 are known to be pathogenic (PMID: 23587214). This variant is not present in population databases (gnomAD no frequency). This variant has not been reported in the literature in individuals affected with COL5A1-related conditions. For these reasons, this variant has been classified as Pathogenic.

Literature cited by the submitters: PubMed 23587214.

NM_000093.5(COL5A1):c.4489C>T (p.Gln1497Ter)

Genes: COL5A1 (collagen type V alpha 1 chain; plus strand), LOC101448202 (uncharacterized LOC101448202; minus strand). Cytogenetic location: 9q34.3.
Variant type: single nucleotide variant.
Coding change: c.4489C>T on transcript NM_000093.5 (MANE Select); coding-DNA position 4489, C replaced by T.
Protein change: p.Gln1497Ter; replaces glutamine 1497 with a stop codon.
Molecular consequence: nonsense. On other transcripts: non-coding transcript variant (1).
Genome position (GRCh38, 1-based): chr9:134,820,158, C>T. VCF-style: chr9-134820158-C-T. GRCh37 (hg19) VCF-style: chr9-137712004-C-T.
Other names: c.4489C>T, p.Gln1497Ter (NM_001278074.1); short protein forms Q1497*.
Identifiers: ClinVar variation 4733522 (VCV004733522.1).